The following is an entry in ClinVar:

NM_032609.3(COX4I2):c.275T>C (p.Phe92Ser)

Gene: COX4I2 (cytochrome c oxidase subunit 4I2; plus strand). Cytogenetic location: 20q11.21.
Variant type: single nucleotide variant.
Coding change: c.275T>C on transcript NM_032609.3 (MANE Select); coding-DNA position 275, T replaced by C.
Protein change: p.Phe92Ser; replaces phenylalanine 92 with serine.
Molecular consequence: missense variant.
Genome position (GRCh38, 1-based): chr20:31,643,431, T>C. VCF-style: chr20-31643431-T-C. GRCh37 (hg19) VCF-style: chr20-30231234-T-C.
Other names: c.275T>C (NM_032609.2); short protein forms F92S.
Identifiers: ClinVar variation 2080702 (VCV002080702.5), dbSNP rs766153518, ClinGen allele CA9801923.

ClinVar aggregate classification (germline): Uncertain significance. Review status: criteria provided, multiple submitters, no conflicts (2 of 4 stars). 2 submissions from 2 submitters: Uncertain significance (2). Last evaluated 2023-12-07.

Allele frequency attached by ClinVar (database versions not stated): ExAC 0.00002; TOPMed 0.00004; gnomAD 0.00003; gnomAD exomes 0.00001.

Submissions (2):

Ambry Genetics
Classification: Uncertain significance. Last evaluated: 2023-12-07. Review status: criteria provided, single submitter. Criteria: Ambry Variant Classification Scheme 2023. Collection method: clinical testing. Allele origin: germline.

Labcorp Genetics (formerly Invitae), Labcorp
Classification: Uncertain significance. Last evaluated: 2022-05-27. Review status: criteria provided, single submitter. Criteria: Invitae Variant Classification Sherloc (09022015). Collection method: clinical testing. Allele origin: germline.
Comment: In summary, the available evidence is currently insufficient to determine the role of this variant in disease. Therefore, it has been classified as a Variant of Uncertain Significance. Algorithms developed to predict the effect of missense changes on protein structure and function are either unavailable or do not agree on the potential impact of this missense change (SIFT: "Deleterious"; PolyPhen-2: "Probably Damaging"; Align-GVGD: "Class C0"). This variant has not been reported in the literature in individuals affected with COX4I2-related conditions. This variant is present in population databases (rs766153518, gnomAD 0.03%). This sequence change replaces phenylalanine, which is neutral and non-polar, with serine, which is neutral and polar, at codon 92 of the COX4I2 protein (p.Phe92Ser).